The following is an entry in ClinVar:

ClinVar aggregate classification (germline): Pathogenic. Review status: criteria provided, multiple submitters, no conflicts (2 of 4 stars). 3 submissions from 3 submitters: Pathogenic (3). Last evaluated 2026-04-09.

Conditions:
Hereditary cancer-predisposing syndrome. Also called: Hereditary Cancer Syndrome; Neoplastic Syndromes, Hereditary; Tumor predisposition; Hereditary neoplastic syndrome. Identifiers: Orphanet 140162, MedGen C0027672, MeSH D009386, MONDO:0015356.
Familial cancer of breast. Also called: hereditary breast carcinoma; BREAST CANCER, FAMILIAL; Hereditary breast cancer. Identifiers: Orphanet 227535, MedGen C0346153, MONDO:0016419, OMIM 114480. Disease mechanism: loss of function.

Submissions (3):

Myriad Genetics, Inc.
Classification: Pathogenic for Familial cancer of breast. Last evaluated: 2026-04-09. Review status: criteria provided, single submitter. Criteria: Myriad Autosomal Dominant, Autosomal Recessive and X-Linked Classification Criteria (2023). Collection method: clinical testing. Allele origin: unknown.
Comment: This variant is considered pathogenic. This variant creates a frameshift predicted to result in premature protein truncation.

Labcorp Genetics (formerly Invitae), Labcorp
Classification: Pathogenic for Familial cancer of breast. Last evaluated: 2025-11-09. Review status: criteria provided, single submitter. Criteria: Invitae Variant Classification Sherloc (09022015). Collection method: clinical testing. Allele origin: germline.
Comment: This sequence change creates a premature translational stop signal (p.Ala736Profs*28) in the PALB2 gene. It is expected to result in an absent or disrupted protein product. Loss-of-function variants in PALB2 are known to be pathogenic (PMID: 17200668, 17200671, 17200672, 24136930, 25099575). This variant is not present in population databases (gnomAD no frequency). This variant has not been reported in the literature in individuals affected with PALB2-related conditions. ClinVar contains an entry for this variant (Variation ID: 143011). For these reasons, this variant has been classified as Pathogenic.

Ambry Genetics
Classification: Pathogenic for Hereditary cancer-predisposing syndrome. Last evaluated: 2024-10-29. Review status: criteria provided, single submitter. Criteria: Ambry Variant Classification Scheme 2023. Collection method: clinical testing. Allele origin: germline.
Comment: The c.2205delA pathogenic mutation, located in coding exon 5 of the PALB2 gene, results from a deletion of one nucleotide at nucleotide position 2205, causing a translational frameshift with a predicted alternate stop codon (p.P735Pfs*29). This variant is considered to be rare based on population cohorts in the Genome Aggregation Database (gnomAD). This alteration is expected to result in loss of function by premature protein truncation or nonsense-mediated mRNA decay. As such, this alteration is interpreted as a disease-causing mutation.

Literature cited by the submitters: PubMed 17200668 (cited by Labcorp Genetics (formerly Invitae), Labcorp); PubMed 17200671 (cited by Labcorp Genetics (formerly Invitae), Labcorp); PubMed 17200672 (cited by Labcorp Genetics (formerly Invitae), Labcorp); PubMed 24136930 (cited by Labcorp Genetics (formerly Invitae), Labcorp); PubMed 25099575 (cited by Labcorp Genetics (formerly Invitae), Labcorp).

NM_024675.4(PALB2):c.2205del (p.Ala736fs)

Gene: PALB2 (partner and localizer of BRCA2; minus strand). Cytogenetic location: 16p12.2.
Variant type: Deletion.
Coding change: c.2205del on transcript NM_024675.4 (MANE Select); coding-DNA position 2205, one base deleted (A; older notation c.2205delA).
Protein change: p.Ala736fs; shifts the reading frame from alanine 736.
Molecular consequence: frameshift variant.
Genome position (GRCh38, 1-based): chr16:23,629,949, T deleted on the plus strand (A on the coding strand, the reverse complement: PALB2 is on the minus strand). VCF-style (leftmost placement, unchanged base first): chr16-23629948-CT-C. GRCh37 (hg19) VCF-style: chr16-23641269-CT-C.
Other names: c.2205delA (NM_024675.3); short protein forms A736fs.
Identifiers: ClinVar variation 143011 (VCV000143011.12), dbSNP rs587782892, ClinGen allele CA170017.